The following is an entry in ClinVar:

NM_000051.4(ATM):c.2451T>G (p.Asp817Glu)

Gene: ATM (ATM serine/threonine kinase; plus strand). Cytogenetic location: 11q22.3.
Variant type: single nucleotide variant.
Coding change: c.2451T>G on transcript NM_000051.4 (MANE Select); coding-DNA position 2451, T replaced by G.
Protein change: p.Asp817Glu; replaces aspartic acid 817 with glutamic acid.
Molecular consequence: missense variant.
Genome position (GRCh38, 1-based): chr11:108,259,060, T>G. VCF-style: chr11-108259060-T-G. GRCh37 (hg19) VCF-style: chr11-108129787-T-G.
Other names: c.2451T>G, p.Asp817Glu (NM_001351834.2); short protein forms D817E.
Identifiers: ClinVar variation 1791505 (VCV001791505.2), dbSNP rs2135422167, ClinGen allele CA382541363.

ClinVar aggregate classification (germline): Uncertain significance (1 of 4 stars; one submission).

Conditions:
Hereditary cancer-predisposing syndrome. Also called: Hereditary Cancer Syndrome; Hereditary neoplastic syndrome; Tumor predisposition; Neoplastic Syndromes, Hereditary. Identifiers: Orphanet 140162, MedGen C0027672, MeSH D009386, MONDO:0015356.

Submission:

Ambry Genetics
Classification: Uncertain significance for Hereditary cancer-predisposing syndrome. Last evaluated: 2020-11-25. Review status: criteria provided, single submitter. Criteria: Ambry Variant Classification Scheme 2023. Collection method: clinical testing. Allele origin: germline.
Comment: The p.D817E variant (also known as c.2451T>G), located in coding exon 15 of the ATM gene, results from a T to G substitution at nucleotide position 2451. The aspartic acid at codon 817 is replaced by glutamic acid, an amino acid with highly similar properties. This amino acid position is highly conserved in available vertebrate species. In addition, the in silico prediction for this alteration is inconclusive. Since supporting evidence is limited at this time, the clinical significance of this alteration remains unclear.